The following is an entry in ClinVar:

ClinVar aggregate classification (germline): Uncertain significance (1 of 4 stars; one submission).

Conditions:
Cardiovascular phenotype. Identifiers: MedGen CN230736.

Submission:

Ambry Genetics
Classification: Uncertain significance for Cardiovascular phenotype. Last evaluated: 2024-02-05. Review status: criteria provided, single submitter. Criteria: Ambry Variant Classification Scheme 2023. Collection method: clinical testing. Allele origin: germline.
Comment: The p.Q395R variant (also known as c.1184A>G), located in coding exon 6 of the SNTA1 gene, results from an A to G substitution at nucleotide position 1184. The glutamine at codon 395 is replaced by arginine, an amino acid with highly similar properties. This amino acid position is conserved. In addition, this alteration is predicted to be tolerated by in silico analysis. Based on the available evidence, the clinical significance of this alteration remains unclear.

NM_003098.3(SNTA1):c.1184A>G (p.Gln395Arg)

Gene: SNTA1 (syntrophin alpha 1; minus strand). Cytogenetic location: 20q11.21.
Variant type: single nucleotide variant.
Coding change: c.1184A>G on transcript NM_003098.3 (MANE Select); coding-DNA position 1184, A replaced by G.
Protein change: p.Gln395Arg; replaces glutamine 395 with arginine.
Molecular consequence: missense variant.
Genome position (GRCh38, 1-based): chr20:33,410,188, T>C on the plus strand (A>G on the coding strand, the complement: SNTA1 is on the minus strand). VCF-style: chr20-33410188-T-C. GRCh37 (hg19) VCF-style: chr20-31997994-T-C.
Other names: c.1184A>G, p.Gln395Arg (NM_001424413.1, NM_001424414.1); short protein forms Q395R.
Identifiers: ClinVar variation 3223107 (VCV003223107.1), dbSNP rs1989704412, ClinGen allele CA408630585.